The following is an entry in ClinVar:

ClinVar aggregate classification (germline): Pathogenic/Likely pathogenic. Review status: criteria provided, multiple submitters, no conflicts (2 of 4 stars). 2 submissions from 2 submitters: Pathogenic (1); Likely pathogenic (1). Last evaluated 2026-01-15.

Conditions:
Primary ciliary dyskinesia. Also called: Ciliary dyskinesia. Identifiers: Orphanet 244, MedGen C0008780, MONDO:0016575, HP:0012265.
DNAH8-related disorder. Also called: DNAH8-related condition.

Allele frequency attached by ClinVar (database versions not stated): gnomAD exomes 0.00001 and 0.00004; TOPMed 0.00001; ExAC 0.00002.

Submissions (2):

PreventionGenetics, part of Exact Sciences
Classification: Likely pathogenic for DNAH8-related condition. Last evaluated: 2026-01-15. Review status: criteria provided, single submitter. Criteria: ACMG Guidelines, 2015. Collection method: clinical testing. Allele origin: germline.
Comment: The DNAH8 c.2949dupT variant is predicted to result in a frameshift and premature protein termination (p.Val984Cysfs*13). To our knowledge, this variant has not been reported in the literature. This variant is reported in 0.0027% of alleles in individuals of European (Non-Finnish) descent in gnomAD. Frameshift variants in DNAH8 are expected to be pathogenic. This variant is interpreted as likely pathogenic.

Labcorp Genetics (formerly Invitae), Labcorp
Classification: Pathogenic for Primary ciliary dyskinesia. Last evaluated: 2024-03-07. Review status: criteria provided, single submitter. Criteria: Invitae Variant Classification Sherloc (09022015). Collection method: clinical testing. Allele origin: germline.
Comment: This sequence change creates a premature translational stop signal (p.Val984Cysfs*13) in the DNAH8 gene. It is expected to result in an absent or disrupted protein product. Loss-of-function variants in DNAH8 are known to be pathogenic (PMID: 24307375, 32619401, 32681648). This variant is present in population databases (rs770372463, gnomAD 0.003%). This variant has not been reported in the literature in individuals affected with DNAH8-related conditions. ClinVar contains an entry for this variant (Variation ID: 525301). For these reasons, this variant has been classified as Pathogenic.

Literature cited by the submitters: PubMed 24307375 (cited by Labcorp Genetics (formerly Invitae), Labcorp); PubMed 32619401 (cited by Labcorp Genetics (formerly Invitae), Labcorp); PubMed 32681648 (cited by Labcorp Genetics (formerly Invitae), Labcorp).

NM_001206927.2(DNAH8):c.2949dup (p.Val984fs)

Gene: DNAH8 (dynein axonemal heavy chain 8; plus strand). Cytogenetic location: 6p21.2.
Variant type: Duplication.
Coding change: c.2949dup on transcript NM_001206927.2 (MANE Select); coding-DNA position 2949, one base duplicated (T; older notation c.2949dupT).
Protein change: p.Val984fs; shifts the reading frame from valine 984.
Molecular consequence: frameshift variant.
Genome position (GRCh38, 1-based): chr6:38,803,226, T duplicated. VCF-style (leftmost placement, unchanged base first): chr6-38803225-A-AT. GRCh37 (hg19) VCF-style: chr6-38771001-A-AT.
Other names: c.2949dupT (NM_001206927.1); c.2298dup, p.Val767fs (NM_001371.4); short protein forms V767fs, V984fs.
Identifiers: ClinVar variation 525301 (VCV000525301.10), dbSNP rs770372463, ClinGen allele CA3788678.